The following is an entry in ClinVar:

NM_020937.4(FANCM):c.2861C>G (p.Ser954Cys)

Gene: FANCM (FA complementation group M; plus strand). Cytogenetic location: 14q21.2.
Variant type: single nucleotide variant.
Coding change: c.2861C>G on transcript NM_020937.4 (MANE Select); coding-DNA position 2861, C replaced by G.
Protein change: p.Ser954Cys; replaces serine 954 with cysteine.
Molecular consequence: missense variant.
Genome position (GRCh38, 1-based): chr14:45,175,615, C>G. VCF-style: chr14-45175615-C-G. GRCh37 (hg19) VCF-style: chr14-45644818-C-G.
Other names: c.2783C>G, p.Ser928Cys (NM_001308133.2); c.2861C>G (LRG_502t1); short protein forms S928C, S954C.
Identifiers: ClinVar variation 665017 (VCV000665017.10), dbSNP rs1594798282, ClinGen allele CA389599341.

ClinVar aggregate classification (germline): Uncertain significance. Review status: criteria provided, multiple submitters, no conflicts (2 of 4 stars). 2 submissions from 2 submitters: Uncertain significance (2). Last evaluated 2025-06-30.

Conditions:
Fanconi anemia (FA). Also called: Fanconi's anemia. Identifiers: Orphanet 84, MedGen C0015625, MeSH D005199, MONDO:0019391.
Inborn genetic diseases. Identifiers: MedGen C0950123, MeSH D030342.

Allele frequency attached by ClinVar (database versions not stated): gnomAD exomes below 0.00001.
gnomAD v4.1: 2 of 1,613,314 alleles (0.00012%); highest among the groups gnomAD compares: African/African-American, 0.0027%; no homozygotes.

Submissions (2):

Ambry Genetics
Classification: Uncertain significance for Inborn genetic diseases. Last evaluated: 2025-06-30. Review status: criteria provided, single submitter. Criteria: Ambry Variant Classification Scheme 2023. Collection method: clinical testing. Allele origin: germline.
Comment: The p.S954C variant (also known as c.2861C>G), located in coding exon 14 of the FANCM gene, results from a C to G substitution at nucleotide position 2861. The serine at codon 954 is replaced by cysteine, an amino acid with dissimilar properties. This amino acid position is conserved. In addition, this alteration is predicted to be tolerated by in silico analysis. Based on the available evidence, the clinical significance of this variant remains unclear.

Labcorp Genetics (formerly Invitae), Labcorp
Classification: Uncertain significance for Fanconi anemia. Last evaluated: 2025-03-02. Review status: criteria provided, single submitter. Criteria: Invitae Variant Classification Sherloc (09022015). Collection method: clinical testing. Allele origin: germline.
Comment: This sequence change replaces serine, which is neutral and polar, with cysteine, which is neutral and slightly polar, at codon 954 of the FANCM protein (p.Ser954Cys). This variant is not present in population databases (gnomAD no frequency). This variant has not been reported in the literature in individuals affected with FANCM-related conditions. ClinVar contains an entry for this variant (Variation ID: 665017). An algorithm developed to predict the effect of missense changes on protein structure and function (PolyPhen-2) suggests that this variant is likely to be disruptive. In summary, the available evidence is currently insufficient to determine the role of this variant in disease. Therefore, it has been classified as a Variant of Uncertain Significance.